The following is an entry in ClinVar:

ClinVar aggregate classification (germline): Uncertain significance (1 of 4 stars; one submission).

Conditions:
DNM1-related disorder. Also called: DNM1-related condition.

Submission:

PreventionGenetics, part of Exact Sciences
Classification: Uncertain significance for DNM1-related condition. Last evaluated: 2026-03-18. Review status: criteria provided, single submitter. Criteria: ACMG Guidelines, 2015. Collection method: clinical testing. Allele origin: germline.
Comment: The DNM1 c.1035G>C variant is predicted to result in the amino acid substitution p.Glu345Asp. To our knowledge, this variant has not been reported in the literature or in a large population database (gnomAD), indicating this variant is rare. At this time, the clinical significance of this variant is uncertain due to the absence of conclusive functional and genetic evidence.

NM_004408.4(DNM1):c.1035G>C (p.Glu345Asp)

Gene: DNM1 (dynamin 1; plus strand). Cytogenetic location: 9q34.11.
Variant type: single nucleotide variant.
Coding change: c.1035G>C on transcript NM_004408.4 (MANE Select); coding-DNA position 1035, G replaced by C.
Protein change: p.Glu345Asp; replaces glutamic acid 345 with aspartic acid.
Molecular consequence: missense variant.
Genome position (GRCh38, 1-based): chr9:128,222,503, G>C. VCF-style: chr9-128222503-G-C. GRCh37 (hg19) VCF-style: chr9-130984782-G-C.
Other names: c.1035G>C, p.Glu345Asp (NM_001005336.3, NM_001288737.2, NM_001288738.2 and 2 more transcripts); short protein forms E345D.
Identifiers: ClinVar variation 4992818 (VCV004992818.1).